The following is an entry in ClinVar:

NM_177438.3(DICER1):c.959A>C (p.Lys320Thr)

Gene: DICER1 (dicer 1, ribonuclease III; minus strand). Cytogenetic location: 14q32.13.
Variant type: single nucleotide variant.
Coding change: c.959A>C on transcript NM_177438.3 (MANE Select); coding-DNA position 959, A replaced by C.
Protein change: p.Lys320Thr; replaces lysine 320 with threonine.
Molecular consequence: missense variant.
Genome position (GRCh38, 1-based): chr14:95,124,613, T>G on the plus strand (A>C on the coding strand, the complement: DICER1 is on the minus strand). VCF-style: chr14-95124613-T-G. GRCh37 (hg19) VCF-style: chr14-95590950-T-G.
Other names: c.959A>C (NM_177438.2); c.959A>C, p.Lys320Thr (NM_001195573.1, NM_001271282.3, NM_001291628.2 and 1 more transcripts); short protein forms K320T.
Identifiers: ClinVar variation 1038689 (VCV001038689.11), dbSNP rs779851333, ClinGen allele CA390887287.

ClinVar aggregate classification (germline): Uncertain significance. Review status: criteria provided, multiple submitters, no conflicts (2 of 4 stars). 2 submissions from 2 submitters: Uncertain significance (2). Last evaluated 2025-07-01.

Conditions:
DICER1-related tumor predisposition. Also called: DICER1 syndrome; DICER1-related pleuropulmonary blastoma cancer predisposition syndrome. Identifiers: Orphanet 284343, MedGen C3839822, MONDO:0100216.
Hereditary cancer-predisposing syndrome. Also called: Neoplastic Syndromes, Hereditary; Hereditary Cancer Syndrome; Tumor predisposition; Hereditary neoplastic syndrome. Identifiers: Orphanet 140162, MedGen C0027672, MeSH D009386, MONDO:0015356.

Submissions (2):

Ambry Genetics
Classification: Uncertain significance for Hereditary cancer-predisposing syndrome. Last evaluated: 2025-07-01. Review status: criteria provided, single submitter. Criteria: Ambry Variant Classification Scheme 2023. Collection method: clinical testing. Allele origin: germline.
Comment: The p.K320T variant (also known as c.959A>C), located in coding exon 7 of the DICER1 gene, results from an A to C substitution at nucleotide position 959. The lysine at codon 320 is replaced by threonine, an amino acid with similar properties. This amino acid position is conserved. In addition, the in silico prediction for this alteration is inconclusive. Based on the available evidence, the clinical significance of this variant remains unclear.

Labcorp Genetics (formerly Invitae), Labcorp
Classification: Uncertain significance for DICER1-related tumor predisposition. Last evaluated: 2022-07-12. Review status: criteria provided, single submitter. Criteria: Invitae Variant Classification Sherloc (09022015). Collection method: clinical testing. Allele origin: germline.
Comment: In summary, the available evidence is currently insufficient to determine the role of this variant in disease. Therefore, it has been classified as a Variant of Uncertain Significance. Algorithms developed to predict the effect of missense changes on protein structure and function (SIFT, PolyPhen-2, Align-GVGD) all suggest that this variant is likely to be disruptive. ClinVar contains an entry for this variant (Variation ID: 1038689). This variant has not been reported in the literature in individuals affected with DICER1-related conditions. This variant is not present in population databases (gnomAD no frequency). This sequence change replaces lysine, which is basic and polar, with threonine, which is neutral and polar, at codon 320 of the DICER1 protein (p.Lys320Thr).